The following is an entry in ClinVar:

NC_000016.10:g.(?_2048596)_(2106697_?)del

Genes: MIR1225 (microRNA 1225; minus strand), MIR6511B1 (microRNA 6511b-1; minus strand), PKD1 (polycystin 1, transient receptor potential channel interacting; minus strand), PKD1-AS1 (PKD1 antisense RNA 1; plus strand), TSC2 (TSC complex subunit 2; plus strand). Cytogenetic location: 16p13.3.
Variant type: Deletion.
Identifiers: ClinVar variation 584071 (VCV000584071.1).

ClinVar aggregate classification (germline): Pathogenic (1 of 4 stars; one submission).

Conditions:
Tuberous sclerosis 2 (TSC2). Identifiers: Orphanet 805, MedGen C1860707, MONDO:0013199, OMIM 613254.

Submission:

Labcorp Genetics (formerly Invitae), Labcorp
Classification: Pathogenic for Tuberous sclerosis 2. Last evaluated: 2018-06-29. Review status: criteria provided, single submitter. Criteria: Invitae Variant Classification Sherloc (09022015). Collection method: clinical testing. Allele origin: germline.
Comment: A gross deletion of the genomic region encompassing the full coding sequence of the TSC2 gene has been identified. The boundaries of this event are unknown as the deletion extends beyond the assayed region for this gene and therefore may encompass additional genes. Loss-of-function variants in TSC2 are known to be pathogenic. This particular variant has been reported in the literature in individuals affected with tuberous sclerosis complex (PMID: 17287951, 16114042). For these reasons, this variant has been classified as Pathogenic.

Literature cited by the submitters: PubMed 17287951; PubMed 16114042.